The following is an entry in ClinVar:

ClinVar aggregate classification (germline): Likely pathogenic (1 of 4 stars; one submission).

Conditions:
Iron metabolism disorders.

gnomAD v4.1: 10 of 1,614,130 alleles (0.00062%); highest among the groups gnomAD compares: Non-Finnish European, 0.00076%; no homozygotes.

Submission:

North West Genomic Laboratory Hub, Manchester University NHS Foundation Trust
Classification: Likely pathogenic for Iron metabolism disorders. Last evaluated: 2025-11-21. Review status: criteria provided, single submitter. Criteria: ACGS Best Practice Guidelines for Variant Classification in Rare Disease 2024. Collection method: clinical testing. Allele origin: germline. Affected: yes.
Comment: PM2_Mod PVS1_Str

NM_000146.4(FTL):c.103-1G>A

Gene: FTL (ferritin light chain; plus strand). Cytogenetic location: 19q13.33.
Variant type: single nucleotide variant.
Coding change: c.103-1G>A on transcript NM_000146.4 (MANE Select); the canonical splice acceptor site of the intron before coding-DNA position 103, G replaced by A.
Molecular consequence: splice acceptor variant.
Genome position (GRCh38, 1-based): chr19:48,965,769, G>A. VCF-style: chr19-48965769-G-A. GRCh37 (hg19) VCF-style: chr19-49469026-G-A.
Identifiers: ClinVar variation 4852404 (VCV004852404.1).